The following is an entry in ClinVar:

ClinVar aggregate classification (germline): Uncertain significance (1 of 4 stars; one submission).

Conditions:
Cardiovascular phenotype. Identifiers: MedGen CN230736.

Submission:

Ambry Genetics
Classification: Uncertain significance for Cardiovascular phenotype. Last evaluated: 2025-09-02. Review status: criteria provided, single submitter. Criteria: Ambry Variant Classification Scheme 2023. Collection method: clinical testing. Allele origin: germline.
Comment: The c.18471_18473delACA variant (also known as p.Q6158del) is located in coding exon 74 of the TTN gene. This variant results from an in-frame ACA deletion at nucleotide positions 18471 to 18473. This results in the in-frame deletion of a glutamine at codon 6158. This amino acid position is well conserved in available vertebrate species. In addition, this variant is predicted to be deleterious by in silico analysis (Choi Y et al. PLoS ONE. 2012; 7(10):e46688). Based on the available evidence, the clinical significance of this variant remains unclear.

NM_001267550.2(TTN):c.45663ACA[1] (p.Gln15223del)

Gene: TTN (titin; minus strand). Cytogenetic location: 2q31.2.
Variant type: Microsatellite.
Coding change: c.45663ACA[1] on transcript NM_001267550.2 (MANE Select); one copy of the 3-base unit ACA starting at c.45663; the reference has two copies in a row; one copy, 3 bases deleted.
Protein change: p.Gln15223del; deletes glutamine 15223.
Genome position (GRCh38, 1-based): chr2:178,620,942-178,620,944, TGT deleted on the plus strand (ACA on the coding strand, the reverse complement: TTN is on the minus strand); deleting any 3 consecutive bases within chr2:178,620,942-178,620,948 gives the same sequence; the position shown is the placement nearest the transcript's 3' end. VCF-style (leftmost placement, unchanged base first): chr2-178620941-CTGT-C. GRCh37 (hg19) VCF-style: chr2-179485668-CTGT-C.
Other names: c.37959ACA[1], p.Gln12655del (NM_133378.4); c.18843ACA[1], p.Gln6283del (NM_133432.3); c.19044ACA[1], p.Gln6350del (NM_133437.4); c.40740ACA[1], p.Gln13582del (NM_001256850.1); c.18468ACA[1], p.Gln6158del (NM_003319.4); c.18471_18473delACA (NM_003319.4); short protein forms Q12655del, Q13582del, Q6283del, Q6350del, Q15223del, Q6158del.
Identifiers: ClinVar variation 4193775 (VCV004193775.1).